The following is an entry in ClinVar:

NM_144988.4(ALG14):c.37G>T (p.Ala13Ser)

Genes: ALG14 (ALG14 UDP-N-acetylglucosaminyltransferase subunit; minus strand), LOC129930989 (ATAC-STARR-seq lymphoblastoid active region 1353; plus strand). Cytogenetic location: 1p21.3.
Variant type: single nucleotide variant.
Coding change: c.37G>T on transcript NM_144988.4 (MANE Select); coding-DNA position 37, G replaced by T.
Protein change: p.Ala13Ser; replaces alanine 13 with serine.
Molecular consequence: missense variant. On other transcripts: non-coding transcript variant (1).
Genome position (GRCh38, 1-based): chr1:95,072,862, C>A on the plus strand (G>T on the coding strand, the complement: ALG14 is on the minus strand). VCF-style: chr1-95072862-C-A. GRCh37 (hg19) VCF-style: chr1-95538418-C-A.
Other names: c.37G>T, p.Ala13Ser (NM_001305242.2); c.37G>T (NM_144988.3); short protein forms A13S.
Identifiers: ClinVar variation 3234955 (VCV003234955.2), dbSNP rs760001852, ClinGen allele CA961906.
Genomic context (GRCh38, chr1:95,072,862, plus strand): 5'-GCGTAACGTCCATGGAACGAAGCACTACCCATATTCGCAGGATTAGGAAAACCGCCACAG[C>A]TCCTGCGGCCGCAGCTAGAACGAGAACGCACACCATGCAGAGAAACGGCGCATGCGTCCA-3'
Protein context (NP_659425.1, residues 3-23): CVLVLAAAAG[Ala13Ser]VAVFLILRIW

ClinVar aggregate classification (germline): Uncertain significance. Review status: criteria provided, multiple submitters, no conflicts (2 of 4 stars). 2 submissions from 2 submitters: Uncertain significance (2). Last evaluated 2025-06-18.

Conditions:
Myopathy, epilepsy, and progressive cerebral atrophy. Identifiers: MedGen C5436652, MONDO:0033619, OMIM 619036.
Inborn genetic diseases. Identifiers: MedGen C0950123, MeSH D030342.

Allele frequency attached by ClinVar (database versions not stated): ExAC 0.00001.
gnomAD v4.1: 33 of 1,614,168 alleles (0.002%); highest among the groups gnomAD compares: South Asian, 0.0066%; no homozygotes.

Submissions (2):

Ambry Genetics
Classification: Uncertain significance for Inborn genetic diseases. Last evaluated: 2025-06-18. Review status: criteria provided, single submitter. Criteria: Ambry Variant Classification Scheme 2023. Collection method: clinical testing. Allele origin: germline.

Neuberg Centre For Genomic Medicine, NCGM
Classification: Uncertain significance for Myopathy, epilepsy, and progressive cerebral atrophy. Review status: criteria provided, single submitter. Criteria: ACMG Guidelines, 2015. Collection method: clinical testing. Allele origin: germline. Inheritance: Autosomal recessive inheritance. Affected: yes.
Comment: The missense variant c.37G>Tp.Ala13Ser in ALG14 gene has not been reported previously as a pathogenic variant nor as a benign variant, to our knowledge. The variant is reported with 0.001% allele frequency in gnomAD Exomes and is novel not in any individuals in 1000 Genomes. The amino acid Alanine at position 13 is changed to a Serine changing protein sequence and it might alter its composition and physico-chemical properties. The amino acid change p.Ala13Ser in ALG14 is predicted as conserved by GERP++ and PhyloP across 100 vertebrates. For these reasons, this variant has been classified as Uncertain Significance.